The following is an entry in ClinVar:

ClinVar aggregate classification (germline): Likely pathogenic. Review status: criteria provided, multiple submitters, no conflicts (2 of 4 stars). 2 submissions from 2 submitters: Likely pathogenic (2). Last evaluated 2026-01-15.

Conditions:
Bethlem myopathy 1A. Also called: MYOPATHY, BENIGN CONGENITAL, WITH CONTRACTURES; Bethlem Muscular Dystrophy; Bethlem myopathy 1. Identifiers: Orphanet 610, MedGen CN029274, MONDO:0024530, OMIM 158810.
COL6A2-related disorder.

Submissions (2):

3billion
Classification: Likely pathogenic for COL6A2-related disorder. Last evaluated: 2026-01-15. Review status: criteria provided, single submitter. Criteria: ACMG Guidelines, 2015. Collection method: clinical testing. Allele origin: germline. Affected: yes.
Comment: The variant is not observed in the gnomAD v4.1.0 dataset. Predicted Consequence/Location: Synonymous variant In silico tools predict the variant to alter splicing and produce an abnormal transcript [SpliceAI: 0.53 (>=0.2, moderate evidence for spliceogenicity)]. The variant has been observed in at least two similarly affected unrelated individuals (PMID: 20976770, 28688748). The variant has been reported to be associated with COL6A2-related disorder (ClinVar ID: VCV000859681 /PMID: 20976770, 28688748). Therefore, this variant is classified as Likely pathogenic according to the recommendation of ACMG/AMP guideline.

Labcorp Genetics (formerly Invitae), Labcorp
Classification: Likely pathogenic for Bethlem myopathy 1A. Last evaluated: 2021-09-08. Review status: criteria provided, single submitter. Criteria: Invitae Variant Classification Sherloc (09022015). Collection method: clinical testing. Allele origin: germline.
Comment: This sequence change affects codon 267 of the COL6A2 mRNA. It is a 'silent' change, meaning that it does not change the encoded amino acid sequence of the COL6A2 protein. This variant also falls at the last nucleotide of exon 5, which is part of the consensus splice site for this exon. In summary, the currently available evidence indicates that the variant is pathogenic, but additional data are needed to prove that conclusively. Therefore, this variant has been classified as Likely Pathogenic. Variants that disrupt the consensus splice site are a relatively common cause of aberrant splicing (PMID: 17576681, 9536098). Algorithms developed to predict the effect of sequence changes on RNA splicing suggest that this variant may disrupt the consensus splice site. This variant has been observed in individual(s) with autosomal dominant type VI collagenopathies (PMID: 20976770, 28688748). In at least one individual the variant was observed to be de novo. This variant is not present in population databases (ExAC no frequency).

Literature cited by the submitters: PubMed 28688748 (cited by 3billion and Labcorp Genetics (formerly Invitae), Labcorp); PubMed 20976770 (cited by 3billion and Labcorp Genetics (formerly Invitae), Labcorp); PubMed 17576681 (cited by Labcorp Genetics (formerly Invitae), Labcorp); PubMed 9536098 (cited by Labcorp Genetics (formerly Invitae), Labcorp).

NM_001849.4(COL6A2):c.801G>A (p.Lys267=)

Gene: COL6A2 (collagen type VI alpha 2 chain; plus strand). Cytogenetic location: 21q22.3.
Variant type: single nucleotide variant.
Coding change: c.801G>A on transcript NM_001849.4 (MANE Select); coding-DNA position 801, G replaced by A.
Protein change: p.Lys267=; no amino-acid change (lysine 267 retained).
Molecular consequence: synonymous variant.
Genome position (GRCh38, 1-based): chr21:46,114,073, G>A. VCF-style: chr21-46114073-G-A. GRCh37 (hg19) VCF-style: chr21-47533987-G-A.
Other names: c.801G>A, p.Lys267= (NM_058174.3, NM_058175.3).
Identifiers: ClinVar variation 859681 (VCV000859681.9), dbSNP rs2078439012, ClinGen allele CA512725453.